The following is an entry in ClinVar:

NM_000455.5(STK11):c.1069G>A (p.Glu357Lys)

Genes: STK11 (serine/threonine kinase 11; plus strand), LOC130062899 (ATAC-STARR-seq lymphoblastoid active region 13597; plus strand). Cytogenetic location: 19p13.3.
Variant type: single nucleotide variant.
Coding change: c.1069G>A on transcript NM_000455.5 (MANE Select); coding-DNA position 1069, G replaced by A.
Protein change: p.Glu357Lys; replaces glutamic acid 357 with lysine.
Molecular consequence: missense variant.
Genome position (GRCh38, 1-based): chr19:1,223,133, G>A. VCF-style: chr19-1223133-G-A. GRCh37 (hg19) VCF-style: chr19-1223132-G-A.
Other names: short protein forms E357K.
Identifiers: ClinVar variation 198732 (VCV000198732.36), dbSNP rs759473833, ClinGen allele CA022264.

ClinVar aggregate classification (germline): Conflicting classifications of pathogenicity. Review status: criteria provided, conflicting classifications (1 of 4 stars). 10 submissions from 10 submitters: Uncertain significance (8); Likely benign (2). Last evaluated 2026-01-26.

Conditions:
Germ cell tumor of testis (TGCT). Also called: GERM CELL TUMOR, SOMATIC; Testicular germ cell tumor. Identifiers: Orphanet 363504, MedGen C1336708, MONDO:0010108, OMIM 273300.
Peutz-Jeghers syndrome (PJS). Also called: POLYPOSIS, HAMARTOMATOUS INTESTINAL; POLYPS-AND-SPOTS SYNDROME; Peutz-Jeghers polyposis; Periorificial lentiginosis syndrome. Identifiers: Orphanet 2869, MedGen C0031269, MeSH D010580, MONDO:0008280, OMIM 175200.
Familial pancreatic carcinoma. Identifiers: Orphanet 1333, MedGen C2931038, MONDO:0015278, OMIM 260350.
Melanoma, cutaneous malignant, susceptibility to, 1 (CMM1). Also called: MELANOMA, MALIGNANT; DYSPLASTIC NEVUS SYNDROME, HEREDITARY; FAMILIAL ATYPICAL MOLE-MALIGNANT MELANOMA SYNDROME; B-K MOLE SYNDROME. Identifiers: Orphanet 618, MedGen C1835047, MONDO:0007963, OMIM 155600.
Hereditary cancer-predisposing syndrome. Also called: Hereditary Cancer Syndrome; Tumor predisposition; Hereditary neoplastic syndrome; Neoplastic Syndromes, Hereditary. Identifiers: Orphanet 140162, MedGen C0027672, MeSH D009386, MONDO:0015356.

Allele frequency attached by ClinVar (database versions not stated): ExAC 0.00001; gnomAD exomes 0.00001; TOPMed 0.00002; gnomAD 0.00004 and 0.00006.

Submissions (10):

Labcorp Genetics (formerly Invitae), Labcorp
Classification: Likely benign for Peutz-Jeghers syndrome. Last evaluated: 2026-01-26. Review status: criteria provided, single submitter. Criteria: Invitae Variant Classification Sherloc (09022015). Collection method: clinical testing. Allele origin: germline.

All of Us Research Program, National Institutes of Health
Classification: Uncertain significance for Peutz-Jeghers syndrome. Last evaluated: 2024-09-23. Review status: criteria provided, single submitter. Criteria: ACMG Guidelines, 2015. Collection method: clinical testing. Allele origin: germline. Inheritance: Autosomal dominant inheritance. Observed: 8 variant alleles, 8 heterozygotes.
Comment: This missense variant replaces glutamic acid with lysine at codon 357 of the STK11 protein. Computational prediction suggests that this variant may not impact protein structure and function (internally defined REVEL score threshold <= 0.5, PMID: 27666373). To our knowledge, functional studies have not been reported for this variant. This variant has not been reported in individuals affected with hereditary cancer in the literature. This variant has been identified in 4/276478 chromosomes in the general population by the Genome Aggregation Database (gnomAD). The available evidence is insufficient to determine the role of this variant in disease conclusively. Therefore, this variant is classified as a Variant of Uncertain Significance.

This study involves interpretation of variants in research participants for the purpose of population health screening. Participant phenotype was not available at the time of variant classification. Additional details can be found in publication PMID: 35346344, PMCID: PMC8962531

Color Diagnostics, LLC DBA Color Health
Classification: Uncertain significance for Hereditary cancer-predisposing syndrome. Last evaluated: 2024-05-02. Review status: criteria provided, single submitter. Criteria: ACMG Guidelines, 2015. Collection method: clinical testing. Allele origin: germline.
Comment: This missense variant replaces glutamic acid with lysine at codon 357 of the STK11 protein. Computational prediction suggests that this variant may not impact protein structure and function. To our knowledge, functional studies have not been reported for this variant. This variant has not been reported in individuals affected with hereditary cancer in the literature. This variant has been identified in 4/276478 chromosomes in the general population by the Genome Aggregation Database (gnomAD). The available evidence is insufficient to determine the role of this variant in disease conclusively. Therefore, this variant is classified as a Variant of Uncertain Significance.

Ambry Genetics
Classification: Likely benign for Hereditary cancer-predisposing syndrome. Last evaluated: 2023-12-22. Review status: criteria provided, single submitter. Criteria: Ambry Variant Classification Scheme 2023. Collection method: clinical testing. Allele origin: germline.

GeneDx
Classification: Uncertain significance. Last evaluated: 2023-10-27. Review status: criteria provided, single submitter. Criteria: GeneDx Variant Classification Process June 2021. Collection method: clinical testing. Allele origin: germline. Affected: yes.
Comment: Not observed at significant frequency in large population cohorts (gnomAD); In silico analysis supports that this missense variant does not alter protein structure/function; Has not been previously published as a germline pathogenic or benign variant to our knowledge; This variant is associated with the following publications: (PMID: 28642281)

Women's Health and Genetics/Laboratory Corporation of America, LabCorp
Classification: Uncertain significance. Last evaluated: 2022-10-10. Review status: criteria provided, single submitter. Criteria: LabCorp Variant Classification Summary - May 2015. Collection method: clinical testing. Allele origin: germline.
Comment: Variant summary: STK11 c.1069G>A (p.Glu357Lys) results in a conservative amino acid change in the encoded protein sequence. Three of five in-silico tools predict a benign effect of the variant on protein function. The variant allele was found at a frequency of 1.2e-05 in 245118 control chromosomes. The available data on variant occurrences in the general population are insufficient to allow any conclusion about variant significance. c.1069G>A has been reported in the literature in an individual affected with Melanoma in settings of a 46-gene hotspot cancer panel assay allowing multiple gene testing from small diagnostic biopsies (example, Hamblin_2017). These report(s) do not provide unequivocal conclusions about association of the variant with Peutz-Jeghers Syndrome. To our knowledge, no experimental evidence demonstrating an impact on protein function has been reported. Six clinical diagnostic laboratories have submitted clinical-significance assessments for this variant to ClinVar after 2014 without evidence for independent evaluation. All laboratories classified the variant as uncertain significance. Based on the evidence outlined above, the variant was classified as uncertain significance.

Department of Pathology and Laboratory Medicine, Sinai Health System
Classification: Uncertain significance for Melanoma, cutaneous malignant, susceptibility to, 1; Peutz-Jeghers syndrome; Familial pancreatic carcinoma; Germ cell tumor of testis. Last evaluated: 2021-10-13. Review status: criteria provided, single submitter. Criteria: ACMG Guidelines, 2015. Collection method: clinical testing. Allele origin: germline. Affected: yes.

Genome-Nilou Lab
Classification: Uncertain significance for Peutz-Jeghers syndrome. Last evaluated: 2021-07-15. Review status: criteria provided, single submitter. Criteria: ACMG Guidelines, 2015. Collection method: clinical testing. Allele origin: germline. Affected: no.

Quest Diagnostics Nichols Institute San Juan Capistrano
Classification: Uncertain significance. Last evaluated: 2019-10-11. Review status: criteria provided, single submitter. Criteria: Quest Diagnostics criteria. Collection method: clinical testing. Allele origin: unknown.

Eurofins Ntd Llc (ga)
Classification: Uncertain significance. Last evaluated: 2014-09-30. Review status: criteria provided, single submitter. Criteria: EGL Classification Definitions 2015. Collection method: clinical testing. Allele origin: germline. Observed: 1 variant allele, 1 heterozygote.

Literature cited by the submitters: PubMed 28196074 (cited by Women's Health and Genetics/Laboratory Corporation of America, LabCorp and Quest Diagnostics Nichols Institute San Juan Capistrano).